The following is an entry in ClinVar:

NM_000256.3(MYBPC3):c.2995-58_3151delinsTACCAGGCC

Gene: MYBPC3 (myosin binding protein C3; minus strand). Cytogenetic location: 11p11.2.
Variant type: Indel.
Coding change: c.2995-58_3151delinsTACCAGGCC on transcript NM_000256.3 (MANE Select); 58 bases into the intron before coding-DNA position 2995 through coding-DNA position 3151, the reference bases replaced by TACCAGGCC.
Molecular consequence: splice acceptor variant.
Genome position (GRCh38, 1-based): chr11:47,333,596-47,333,810, 215 bases replaced. GRCh37 (hg19): chr11:47,355,147-47,355,361.
Identifiers: ClinVar variation 2707778 (VCV002707778.3), dbSNP rs2495741409, ClinGen allele CA2697548544.

ClinVar aggregate classification (germline): Likely pathogenic (1 of 4 stars; one submission).

Conditions:
Hypertrophic cardiomyopathy. Also called: HYPERTROPHIC MYOCARDIOPATHY. Identifiers: Orphanet 217569, MedGen C0007194, MeSH D002312, MONDO:0005045, HP:0001639.

Submission:

Labcorp Genetics (formerly Invitae), Labcorp
Classification: Likely pathogenic for Hypertrophic cardiomyopathy. Last evaluated: 2024-01-05. Review status: criteria provided, single submitter. Criteria: Invitae Variant Classification Sherloc (09022015). Collection method: clinical testing. Allele origin: germline.
Comment: This variant results in the deletion of part of exon 29 (c.2995-58_3151delinsTACCAGGCC) of the MYBPC3 gene. It is expected to disrupt RNA splicing. Variants that disrupt the donor or acceptor splice site typically lead to a loss of protein function (PMID: 16199547), and loss-of-function variants in MYBPC3 are known to be pathogenic (PMID: 19574547). This variant is not present in population databases (gnomAD no frequency). This variant has been observed in individual(s) with hypertrophic cardiomyopathy (PMID: 19543287). In summary, the currently available evidence indicates that the variant is pathogenic, but additional data are needed to prove that conclusively. Therefore, this variant has been classified as Likely Pathogenic.

Literature cited by the submitters: PubMed 16199547; PubMed 19574547; PubMed 19543287.